The following is an entry in ClinVar:

ClinVar aggregate classification (germline): Uncertain significance. Review status: criteria provided, multiple submitters, no conflicts (2 of 4 stars). 2 submissions from 2 submitters: Uncertain significance (2). Last evaluated 2025-03-17.

Conditions:
Inborn genetic diseases. Identifiers: MedGen C0950123, MeSH D030342.

Submissions (2):

Ambry Genetics
Classification: Uncertain significance for Inborn genetic diseases. Last evaluated: 2025-03-17. Review status: criteria provided, single submitter. Criteria: Ambry Variant Classification Scheme 2023. Collection method: clinical testing. Allele origin: germline.

Labcorp Genetics (formerly Invitae), Labcorp
Classification: Uncertain significance. Last evaluated: 2024-12-21. Review status: criteria provided, single submitter. Criteria: Invitae Variant Classification Sherloc (09022015). Collection method: clinical testing. Allele origin: germline.
Comment: This sequence change replaces threonine, which is neutral and polar, with serine, which is neutral and polar, at codon 17 of the DUOX2 protein (p.Thr17Ser). This variant is not present in population databases (gnomAD no frequency). This variant has not been reported in the literature in individuals affected with DUOX2-related conditions. Invitae Evidence Modeling of protein sequence and biophysical properties (such as structural, functional, and spatial information, amino acid conservation, physicochemical variation, residue mobility, and thermodynamic stability) indicates that this missense variant is not expected to disrupt DUOX2 protein function with a negative predictive value of 95%. In summary, the available evidence is currently insufficient to determine the role of this variant in disease. Therefore, it has been classified as a Variant of Uncertain Significance.

NM_001363711.2(DUOX2):c.50C>G (p.Thr17Ser)

Gene: DUOX2 (dual oxidase 2; minus strand). Cytogenetic location: 15q21.1.
Variant type: single nucleotide variant.
Coding change: c.50C>G on transcript NM_001363711.2 (MANE Select); coding-DNA position 50, C replaced by G.
Protein change: p.Thr17Ser; replaces threonine 17 with serine.
Molecular consequence: missense variant.
Genome position (GRCh38, 1-based): chr15:45,113,362, G>C on the plus strand (C>G on the coding strand, the complement: DUOX2 is on the minus strand). VCF-style: chr15-45113362-G-C. GRCh37 (hg19) VCF-style: chr15-45405560-G-C.
Other names: c.50C>G (NM_014080.4); c.50C>G, p.Thr17Ser (NM_014080.5); short protein forms T17S.
Identifiers: ClinVar variation 3625643 (VCV003625643.3).